The following is an entry in ClinVar:

NM_004990.4(MARS1):c.1261T>C (p.Cys421Arg)

Gene: MARS1 (methionyl-tRNA synthetase 1; plus strand). Cytogenetic location: 12q13.3.
Variant type: single nucleotide variant.
Coding change: c.1261T>C on transcript NM_004990.4 (MANE Select); coding-DNA position 1261, T replaced by C.
Protein change: p.Cys421Arg; replaces cysteine 421 with arginine.
Molecular consequence: missense variant.
Genome position (GRCh38, 1-based): chr12:57,500,490, T>C. VCF-style: chr12-57500490-T-C. GRCh37 (hg19) VCF-style: chr12-57894273-T-C.
Other names: short protein forms C421R.
Identifiers: ClinVar variation 661057 (VCV000661057.6), dbSNP rs751129809, ClinGen allele CA6650450.

ClinVar aggregate classification (germline): Uncertain significance (1 of 4 stars; one submission).

Conditions:
Severe early-onset pulmonary alveolar proteinosis due to MARS deficiency. Also called: PULMONARY ALVEOLAR PROTEINOSIS, REUNION ISLAND; Interstitial lung and liver disease. Identifiers: Orphanet 440427, MedGen C4225400, MONDO:0014206, OMIM 615486.
Charcot-Marie-Tooth disease axonal type 2U. Also called: CHARCOT-MARIE-TOOTH NEUROPATHY, TYPE 2U; CHARCOT-MARIE-TOOTH DISEASE, AXONAL, AUTOSOMAL DOMINANT, TYPE 2U. Identifiers: Orphanet 397735, MedGen C4084821, MONDO:0014566, OMIM 616280.

Allele frequency attached by ClinVar (database versions not stated): gnomAD exomes below 0.00001 and 0.00002; TOPMed below 0.00001; ExAC 0.00002.
gnomAD v4.1: 4 of 1,614,114 alleles (0.00025%); highest among the groups gnomAD compares: Admixed American, 0.005%; no homozygotes.

Submission:

Labcorp Genetics (formerly Invitae), Labcorp
Classification: Uncertain significance for Charcot-Marie-Tooth disease axonal type 2U; Severe early-onset pulmonary alveolar proteinosis due to MARS deficiency. Last evaluated: 2024-12-08. Review status: criteria provided, single submitter. Criteria: Invitae Variant Classification Sherloc (09022015). Collection method: clinical testing. Allele origin: germline.
Comment: This sequence change replaces cysteine, which is neutral and slightly polar, with arginine, which is basic and polar, at codon 421 of the MARS protein (p.Cys421Arg). This variant is present in population databases (rs751129809, gnomAD 0.01%). This variant has not been reported in the literature in individuals affected with MARS-related conditions. ClinVar contains an entry for this variant (Variation ID: 661057). An algorithm developed to predict the effect of missense changes on protein structure and function (PolyPhen-2) suggests that this variant is likely to be disruptive. In summary, the available evidence is currently insufficient to determine the role of this variant in disease. Therefore, it has been classified as a Variant of Uncertain Significance.